The following is an entry in ClinVar:

ClinVar aggregate classification (germline): Uncertain significance. Review status: criteria provided, multiple submitters, no conflicts (2 of 4 stars). 2 submissions from 2 submitters: Uncertain significance (2). Last evaluated 2025-09-28.

gnomAD v4.1: 39 of 1,613,256 alleles (0.0024%); highest among the groups gnomAD compares: Non-Finnish European, 0.0033%; no homozygotes.

Submissions (2):

Labcorp Genetics (formerly Invitae), Labcorp
Classification: Uncertain significance. Last evaluated: 2025-09-28. Review status: criteria provided, single submitter. Criteria: Invitae Variant Classification Sherloc (09022015). Collection method: clinical testing. Allele origin: germline.
Comment: This sequence change replaces glutamine, which is neutral and polar, with histidine, which is basic and polar, at codon 357 of the ANLN protein (p.Gln357His). This variant is present in population databases (no rsID available, gnomAD 0.005%). This variant has not been reported in the literature in individuals affected with ANLN-related conditions. Invitae Evidence Modeling of protein sequence and biophysical properties (such as structural, functional, and spatial information, amino acid conservation, physicochemical variation, residue mobility, and thermodynamic stability) indicates that this missense variant is not expected to disrupt ANLN protein function with a negative predictive value of 80%. In summary, the available evidence is currently insufficient to determine the role of this variant in disease. Therefore, it has been classified as a Variant of Uncertain Significance.

Ambry Genetics
Classification: Uncertain significance. Last evaluated: 2025-08-24. Review status: criteria provided, single submitter. Criteria: Ambry Variant Classification Scheme 2023. Collection method: clinical testing. Allele origin: germline.

NM_018685.5(ANLN):c.1071A>T (p.Gln357His)

Gene: ANLN (anillin, actin binding protein; plus strand). Cytogenetic location: 7p14.2.
Variant type: single nucleotide variant.
Coding change: c.1071A>T on transcript NM_018685.5 (MANE Select); coding-DNA position 1071, A replaced by T.
Protein change: p.Gln357His; replaces glutamine 357 with histidine.
Molecular consequence: missense variant.
Genome position (GRCh38, 1-based): chr7:36,407,931, A>T. VCF-style: chr7-36407931-A-T. GRCh37 (hg19) VCF-style: chr7-36447540-A-T.
Other names: c.1071A>T, p.Gln357His (NM_001284301.3, NM_001284302.3); short protein forms Q357H.
Identifiers: ClinVar variation 4110127 (VCV004110127.2).